The following is an entry in ClinVar:

ClinVar aggregate classification (germline): Likely pathogenic. Review status: criteria provided, multiple submitters, no conflicts (2 of 4 stars). 3 submissions from 3 submitters: Likely pathogenic (3). Last evaluated 2025-04-04.

Conditions:
LAMA2-related muscular dystrophy (LAMA2-RD). Also called: Laminin alpha 2-related dystrophy. Identifiers: MedGen C5679788, MONDO:0100228.
Merosin deficient congenital muscular dystrophy (MDC1A). Also called: Congenital Muscular Dystrophy Type 1A (MDC1A); Congenital merosin-deficient muscular dystrophy 1A. Identifiers: Orphanet 258, MedGen C1263858, MONDO:0011925, OMIM 607855.

Allele frequency attached by ClinVar (database versions not stated): TOPMed 0.00001.

Submissions (3):

Women's Health and Genetics/Laboratory Corporation of America, LabCorp
Classification: Likely pathogenic for LAMA2-related muscular dystrophy. Last evaluated: 2025-04-04. Review status: criteria provided, single submitter. Criteria: LabCorp Variant Classification Summary - May 2015. Collection method: clinical testing. Allele origin: germline.
Comment: Variant summary: LAMA2 c.1884+2T>C is located in a canonical splice-site and is predicted to affect mRNA splicing resulting in a significantly altered protein due to either exon skipping, shortening, or inclusion of intronic material. Variants that disrupt the consensus splice site are a relatively common cause of aberrant splicing and loss of LAMA2 function. Several computational tools predict a significant impact on normal splicing: Four predict the variant abolishes the canonical 5' splicing donor site. However, these predictions have yet to be confirmed by functional studies. The variant was absent in 250706 control chromosomes. To our knowledge, no occurrence of c.1884+2T>C in individuals affected with Laminin Alpha 2-Related Dystrophy and no experimental evidence demonstrating its impact on protein function have been reported. ClinVar contains an entry for this variant (Variation ID: 1067396). Based on the evidence outlined above, the variant was classified as likely pathogenic.

Baylor Genetics
Classification: Likely pathogenic for Merosin deficient congenital muscular dystrophy. Last evaluated: 2024-02-12. Review status: criteria provided, single submitter. Criteria: ACMG Guidelines, 2015. Collection method: clinical testing. Allele origin: unknown.

Labcorp Genetics (formerly Invitae), Labcorp
Classification: Likely pathogenic for LAMA2-related muscular dystrophy. Last evaluated: 2021-06-12. Review status: criteria provided, single submitter. Criteria: Invitae Variant Classification Sherloc (09022015). Collection method: clinical testing. Allele origin: germline.
Comment: In summary, the currently available evidence indicates that the variant is pathogenic, but additional data are needed to prove that conclusively. Therefore, this variant has been classified as Likely Pathogenic. Donor and acceptor splice site variants typically lead to a loss of protein function (PMID: 16199547), and loss-of-function variants in LAMA2 are known to be pathogenic (PMID: 18700894). Algorithms developed to predict the effect of sequence changes on RNA splicing suggest that this variant may disrupt the consensus splice site, but this prediction has not been confirmed by published transcriptional studies. This variant has not been reported in the literature in individuals with LAMA2-related conditions. This variant is not present in population databases (ExAC no frequency). This sequence change affects a donor splice site in intron 13 of the LAMA2 gene. It is expected to disrupt RNA splicing and likely results in an absent or disrupted protein product.

Literature cited by the submitters: PubMed 16199547 (cited by Labcorp Genetics (formerly Invitae), Labcorp); PubMed 18700894 (cited by Labcorp Genetics (formerly Invitae), Labcorp).

NM_000426.4(LAMA2):c.1884+2T>C

Gene: LAMA2 (laminin subunit alpha 2; plus strand). Cytogenetic location: 6q22.33.
Variant type: single nucleotide variant.
Coding change: c.1884+2T>C on transcript NM_000426.4 (MANE Select); the canonical splice donor site of the intron after coding-DNA position 1884, T replaced by C.
Molecular consequence: splice donor variant.
Genome position (GRCh38, 1-based): chr6:129,250,215, T>C. VCF-style: chr6-129250215-T-C. GRCh37 (hg19) VCF-style: chr6-129571360-T-C.
Other names: c.1884+2T>C (NM_001079823.2).
Identifiers: ClinVar variation 1067396 (VCV001067396.13), dbSNP rs968447029, ClinGen allele CA146918284.